The following is an entry in ClinVar:

NM_000138.5(FBN1):c.469G>A (p.Gly157Arg)

Gene: FBN1 (fibrillin 1; minus strand). Cytogenetic location: 15q21.1.
Variant type: single nucleotide variant.
Coding change: c.469G>A on transcript NM_000138.5 (MANE Select); coding-DNA position 469, G replaced by A.
Protein change: p.Gly157Arg; replaces glycine 157 with arginine.
Molecular consequence: missense variant.
Genome position (GRCh38, 1-based): chr15:48,596,352, C>T on the plus strand (G>A on the coding strand, the complement: FBN1 is on the minus strand). VCF-style: chr15-48596352-C-T. GRCh37 (hg19) VCF-style: chr15-48888549-C-T.
Other names: c.469G>A, p.Gly157Arg (NM_001406716.1, NM_001406717.1); short protein forms G157R.
Identifiers: ClinVar variation 4855492 (VCV004855492.1).

ClinVar aggregate classification (germline): Uncertain significance (1 of 4 stars; one submission).

Conditions:
Marfan syndrome (MFS). Also called: FBN1-Related Marfan Syndrome; MARFAN SYNDROME, TYPE I; Marfan syndrome type 1; Marfan's syndrome; Marfan syndrome, classic. Identifiers: Orphanet 284963, Orphanet 558, MedGen C0024796, MONDO:0007947, OMIM 154700.

Submission:

3billion
Classification: Uncertain significance for Marfan syndrome. Last evaluated: 2025-06-09. Review status: criteria provided, single submitter. Criteria: ACMG Guidelines, 2015. Collection method: clinical testing. Allele origin: germline. Affected: yes.
Comment: The variant is not observed in the gnomAD v4.1.0 dataset. Predicted Consequence/Location: Missense variant In silico tool predictions suggest damaging effect of the variant on gene or gene product [REVEL: 0.83 (>=0.6, sensitivity 0.68 and specificity 0.92)]. Therefore, this variant is classified as VUS according to the recommendation of ACMG/AMP guideline.